The following is an entry in ClinVar:

NM_006904.7(PRKDC):c.605G>A (p.Gly202Asp)

Gene: PRKDC (protein kinase, DNA-activated, catalytic subunit; minus strand). Cytogenetic location: 8q11.21.
Variant type: single nucleotide variant.
Coding change: c.605G>A on transcript NM_006904.7 (MANE Select); coding-DNA position 605, G replaced by A.
Protein change: p.Gly202Asp; replaces glycine 202 with aspartic acid.
Molecular consequence: missense variant.
Genome position (GRCh38, 1-based): chr8:47,953,823, C>T on the plus strand (G>A on the coding strand, the complement: PRKDC is on the minus strand). VCF-style: chr8-47953823-C-T. GRCh37 (hg19) VCF-style: chr8-48866383-C-T.
Other names: c.605G>A, p.Gly202Asp (NM_001081640.2); short protein forms G202D.
Identifiers: ClinVar variation 3225881 (VCV003225881.1), dbSNP rs2551881788, ClinGen allele CA371138727.

ClinVar aggregate classification (germline): Uncertain significance (1 of 4 stars; one submission).

Submission:

Ambry Genetics
Classification: Uncertain significance. Last evaluated: 2024-02-10. Review status: criteria provided, single submitter. Criteria: Ambry Variant Classification Scheme 2023. Collection method: clinical testing. Allele origin: germline.
Comment: The p.G202D variant (also known as c.605G>A), located in coding exon 6 of the PRKDC gene, results from a G to A substitution at nucleotide position 605. The glycine at codon 202 is replaced by aspartic acid, an amino acid with similar properties. This amino acid position is conserved. In addition, this alteration is predicted to be tolerated by in silico analysis. Based on the available evidence, the clinical significance of this alteration remains unclear.